The following is an entry in ClinVar:

NM_004522.3(KIF5C):c.1344G>A (p.Gln448=)

Gene: KIF5C (kinesin family member 5C; plus strand). Cytogenetic location: 2q23.1.
Variant type: single nucleotide variant.
Coding change: c.1344G>A on transcript NM_004522.3 (MANE Select); coding-DNA position 1344, G replaced by A.
Protein change: p.Gln448=; no amino-acid change (glutamine 448 retained).
Molecular consequence: synonymous variant. On other transcripts: non-coding transcript variant (1).
Genome position (GRCh38, 1-based): chr2:148,978,972, G>A. VCF-style: chr2-148978972-G-A. GRCh37 (hg19) VCF-style: chr2-149835486-G-A.
Identifiers: ClinVar variation 669234 (VCV000669234.1), dbSNP rs759117190, ClinGen allele CA1901431.

ClinVar aggregate classification (germline): Likely benign (1 of 4 stars; one submission).

Allele frequency attached by ClinVar (database versions not stated): gnomAD exomes below 0.00001 and 0.00001; ExAC 0.00001.
gnomAD v4.1: 7 of 1,591,954 alleles (0.00044%); highest among the groups gnomAD compares: Middle Eastern, 0.017%; no homozygotes.

Submission:

GeneDx
Classification: Likely benign. Last evaluated: 2018-06-08. Review status: criteria provided, single submitter. Criteria: GeneDx Variant Classification (06012015). Collection method: clinical testing. Allele origin: germline. Affected: yes.
Comment: This variant is considered likely benign or benign based on one or more of the following criteria: it is a conservative change, it occurs at a poorly conserved position in the protein, it is predicted to be benign by multiple in silico algorithms, and/or has population frequency not consistent with disease.